The following is an entry in ClinVar:

NM_001966.4(EHHADH):c.7G>A (p.Glu3Lys)

Gene: EHHADH (enoyl-CoA hydratase and 3-hydroxyacyl CoA dehydrogenase; minus strand). Cytogenetic location: 3q27.2.
Variant type: single nucleotide variant.
Coding change: c.7G>A on transcript NM_001966.4 (MANE Select); coding-DNA position 7, G replaced by A.
Protein change: p.Glu3Lys; replaces glutamic acid 3 with lysine.
Molecular consequence: missense variant. On other transcripts: 5 prime UTR variant (1).
Genome position (GRCh38, 1-based): chr3:185,254,016, C>T on the plus strand (G>A on the coding strand, the complement: EHHADH is on the minus strand). VCF-style: chr3-185254016-C-T. GRCh37 (hg19) VCF-style: chr3-184971804-C-T.
Other names: c.-405G>A (NM_001166415.2); short protein forms E3K.
Identifiers: ClinVar variation 96711 (VCV000096711.4), dbSNP rs398124646, ClinGen allele CA149692.

ClinVar aggregate classification (germline): Likely pathogenic. Review status: criteria provided, single submitter (1 of 4 stars). 2 submissions from 2 submitters: Likely pathogenic (1). 1 of the submissions does not count toward it. Last evaluated 2019-11-22.

Conditions:
EHHADH-related disorders.
Fanconi renotubular syndrome 3 (FRTS3). Identifiers: MedGen C3810100, MONDO:0014275, OMIM 615605.

Submissions (2):

Blueprint Genetics
Classification: Likely pathogenic for EHHADH-related disorders. Last evaluated: 2019-11-22. Review status: criteria provided, single submitter. Criteria: ACMG Guidelines, 2015. Collection method: clinical testing. Allele origin: germline. Affected: yes. Observed: 1 variant allele.

OMIM
Classification: Pathogenic for FANCONI RENOTUBULAR SYNDROME 3 (1 family). Last evaluated: 2014-01-09. Review status: flagged submission. Collection method: literature only. Allele origin: germline. Not counted in ClinVar's aggregate classification.
ClinVar note: Notes: Flagging candidate with reason of insufficient supporting evidence. This gene has been classified as having a limited gene-disease relationship by a ClinGen Expert Panel.
ClinVar note: Reason: P/LP classification for a variant in a gene with insufficient evidence for a gene-disease relationship

Literature cited by the submitters: PubMed 1627757 (cited by OMIM); PubMed 24401050 (cited by OMIM).